The following is an entry in ClinVar:

ClinVar aggregate classification (germline): Uncertain significance (1 of 4 stars; one submission).

Allele frequency attached by ClinVar (database versions not stated): gnomAD 0.00004; TOPMed 0.00005; ExAC 0.00006.
gnomAD v4.1: 37 of 1,598,328 alleles (0.0023%); highest among the groups gnomAD compares: Middle Eastern, 0.016%; no homozygotes.

Submission:

Labcorp Genetics (formerly Invitae), Labcorp
Classification: Uncertain significance. Last evaluated: 2022-10-21. Review status: criteria provided, single submitter. Criteria: Invitae Variant Classification Sherloc (09022015). Collection method: clinical testing. Allele origin: germline.
Comment: This sequence change replaces arginine, which is basic and polar, with histidine, which is basic and polar, at codon 1957 of the CACNA1B protein (p.Arg1957His). This variant is present in population databases (rs772128935, gnomAD 0.006%). This variant has not been reported in the literature in individuals affected with CACNA1B-related conditions. Advanced modeling of protein sequence and biophysical properties (such as structural, functional, and spatial information, amino acid conservation, physicochemical variation, residue mobility, and thermodynamic stability) performed at Invitae indicates that this missense variant is not expected to disrupt CACNA1B protein function. In summary, the available evidence is currently insufficient to determine the role of this variant in disease. Therefore, it has been classified as a Variant of Uncertain Significance.

NM_000718.4(CACNA1B):c.5870G>A (p.Arg1957His)

Gene: CACNA1B (calcium voltage-gated channel subunit alpha1 B; plus strand). Cytogenetic location: 9q34.3.
Variant type: single nucleotide variant.
Coding change: c.5870G>A on transcript NM_000718.4 (MANE Select); coding-DNA position 5870, G replaced by A.
Protein change: p.Arg1957His; replaces arginine 1957 with histidine.
Molecular consequence: missense variant.
Genome position (GRCh38, 1-based): chr9:138,118,038, G>A. VCF-style: chr9-138118038-G-A. GRCh37 (hg19) VCF-style: chr9-141012490-G-A.
Other names: c.5870G>A, p.Arg1957His (NM_001243812.2); short protein forms R1957H.
Identifiers: ClinVar variation 2418167 (VCV002418167.3), dbSNP rs772128935, ClinGen allele CA5377517.